The following is an entry in ClinVar:

ClinVar aggregate classification (germline): Conflicting classifications of pathogenicity. Review status: criteria provided, conflicting classifications (1 of 4 stars). 2 submissions from 2 submitters: Uncertain significance (1); Likely benign (1). Last evaluated 2025-05-18.

Conditions:
Inborn genetic diseases. Identifiers: MedGen C0950123, MeSH D030342.

gnomAD v4.1: 8 of 1,614,166 alleles (0.0005%); highest among the groups gnomAD compares: Non-Finnish European, 0.00051%; no homozygotes.

Submissions (2):

Ambry Genetics
Classification: Uncertain significance for Inborn genetic diseases. Last evaluated: 2025-05-18. Review status: criteria provided, single submitter. Criteria: Ambry Variant Classification Scheme 2023. Collection method: clinical testing. Allele origin: germline.

CeGaT Center for Human Genetics Tuebingen
Classification: Likely benign. Last evaluated: 2024-11-01. Review status: criteria provided, single submitter. Criteria: CeGaT Center For Human Genetics Tuebingen Variant Classification Criteria Version 2. Collection method: clinical testing. Allele origin: germline. Affected: yes. Observed: 2 variant alleles.
Comment: WASF1: BS1

NM_003931.3(WASF1):c.1411C>T (p.Pro471Ser)

Gene: WASF1 (WASP family member 1; minus strand). Cytogenetic location: 6q21.
Variant type: single nucleotide variant.
Coding change: c.1411C>T on transcript NM_003931.3 (MANE Select); coding-DNA position 1411, C replaced by T.
Protein change: p.Pro471Ser; replaces proline 471 with serine.
Molecular consequence: missense variant.
Genome position (GRCh38, 1-based): chr6:110,101,699, G>A on the plus strand (C>T on the coding strand, the complement: WASF1 is on the minus strand). VCF-style: chr6-110101699-G-A. GRCh37 (hg19) VCF-style: chr6-110422902-G-A.
Other names: c.1411C>T, p.Pro471Ser (NM_001024934.2, NM_001024935.2, NM_001024936.2); c.1411C>T (NM_003931.2); short protein forms P471S.
Identifiers: ClinVar variation 3388377 (VCV003388377.14).